The following is an entry in ClinVar:

ClinVar aggregate classification (germline): Uncertain significance (1 of 4 stars; one submission).

Conditions:
Landau-Kleffner syndrome (FESD). Also called: EPILEPSY, FOCAL, WITH SPEECH DISORDER AND WITH OR WITHOUT MENTAL RETARDATION; APHASIA, ACQUIRED, WITH EPILEPSY. Identifiers: Orphanet 1945, Orphanet 725, Orphanet 98818, MedGen C0282512, MONDO:0009509, OMIM 245570.

gnomAD v4.1: 10 of 1,614,192 alleles (0.00062%); highest among the groups gnomAD compares: African/African-American, 0.0013%; no homozygotes.

Submission:

Labcorp Genetics (formerly Invitae), Labcorp
Classification: Uncertain significance for Landau-Kleffner syndrome. Last evaluated: 2025-08-19. Review status: criteria provided, single submitter. Criteria: Invitae Variant Classification Sherloc (09022015). Collection method: clinical testing. Allele origin: germline.
Comment: This sequence change replaces alanine, which is neutral and non-polar, with threonine, which is neutral and polar, at codon 901 of the GRIN2A protein (p.Ala901Thr). This variant is present in population databases (rs773996543, gnomAD 0.0009%). This variant has not been reported in the literature in individuals affected with GRIN2A-related conditions. This missense change has been observed in at least one individual who was not affected with GRIN2A-related conditions (internal data). Invitae Evidence Modeling of protein sequence and biophysical properties (such as structural, functional, and spatial information, amino acid conservation, physicochemical variation, residue mobility, and thermodynamic stability) has been performed for this missense variant. However, the output from this modeling did not meet the statistical confidence thresholds required to predict the impact of this variant on GRIN2A protein function. In summary, the available evidence is currently insufficient to determine the role of this variant in disease. Therefore, it has been classified as a Variant of Uncertain Significance.

NM_001134407.3(GRIN2A):c.2701G>A (p.Ala901Thr)

Gene: GRIN2A (glutamate ionotropic receptor NMDA type subunit 2A; minus strand). Cytogenetic location: 16p13.2.
Variant type: single nucleotide variant.
Coding change: c.2701G>A on transcript NM_001134407.3 (MANE Select); coding-DNA position 2701, G replaced by A.
Protein change: p.Ala901Thr; replaces alanine 901 with threonine.
Molecular consequence: missense variant.
Genome position (GRCh38, 1-based): chr16:9,764,843, C>T on the plus strand (G>A on the coding strand, the complement: GRIN2A is on the minus strand). VCF-style: chr16-9764843-C-T. GRCh37 (hg19) VCF-style: chr16-9858700-C-T.
Other names: c.2701G>A, p.Ala901Thr (NM_000833.5, NM_001134408.2); short protein forms A901T.
Identifiers: ClinVar variation 4703450 (VCV004703450.1).